The following is an entry in ClinVar:

ClinVar aggregate classification (germline): Likely pathogenic. Review status: reviewed by expert panel (3 of 4 stars). 2 submissions from 2 submitters: Likely pathogenic (1). 1 of the submissions does not count toward it. Last evaluated 2024-08-12.

Conditions:
Mitochondrial disease. Also called: Mitochondrial disorder; Mitochondrial disorders. Identifiers: Orphanet 68380, MedGen C0751651, MeSH D028361, MONDO:0044970.
NARP syndrome. Also called: NARP; NEUROPATHY, ATAXIA, AND RETINITIS PIGMENTOSA. Identifiers: Orphanet 644, MedGen C1328349, MONDO:0010794, OMIM 551500.

Submissions (2):

ClinGen Mitochondrial Disease Nuclear and Mitochondrial  Variant Curation Expert Panel, ClinGen
Classification: Likely pathogenic for Mitochondrial disease. Last evaluated: 2024-08-12. Review status: reviewed by expert panel. Criteria: clingen mito disease acmg specifications v1-1. Collection method: curation. Allele origin: germline. Inheritance: Mitochondrial inheritance.
Comment: The m.8618dupT (p.Thr33Hisfs*32) variant in MT-ATP6 has been reported in two unrelated individuals with primary mitochondrial disease (PS4_supporting; PMIDs: 32042910, 19124644). Clinical features in these individuals include developmental delay, learning difficulties, ataxia, spastic paraparesis, headache, cerebellar atrophy, white matter abnormalities, hearing loss, kidney failure, diabetes, cataracts, optic atrophy, retinal dystrophy, and short stature. The heteroplasmy levels in affected individuals ranged from 20% to 85%. This variant occurred de novo in one individual (absent in blood from mother, sister, and maternal aunt; PM6_supporting, PMID: 19124644). This variant segregated with disease in the other family (proband with heteroplasmy levels ranging from 20-65%; unaffected individuals including mother, sister, and maternal aunt with lower heteroplasmy levels ranging from 0-24%; PP1; PMID: 32042910). This frameshift variant results in a significant (>10%) truncation of the MT-ATP6 protein (PVS1_strong). This variant is absent in the GenBank dataset, Helix dataset, and gnomAD v3.1.2 (PM2_supporting). There are no in silico predictors for this type of variant in mitochondrial DNA. In summary, this variant meets criteria to be classified as likely pathogenic for primary mitochondrial disease inherited in a mitochondrial manner. This classification was approved by the NICHD/NINDS U24 ClinGen Mitochondrial Disease Variant Curation Expert Panel on August 12, 2024. Mitochondrial DNA-specific ACMG/AMP criteria applied (PMID: 32906214): PS4_supporting, PM6_supporting, PP1, PM2_supporting, PVS1_strong.

OMIM
Classification: Pathogenic for NARP SYNDROME. Last evaluated: 2009-01-01. Review status: no assertion criteria provided. Collection method: literature only. Allele origin: germline. Not counted in ClinVar's aggregate classification.

Literature cited by the submitters: PubMed 19124644 (cited by OMIM).

NC_012920.1(MT-ATP6):m.8618dup

Gene: MT-ATP6 (mitochondrially encoded ATP synthase 6; plus strand).
Variant type: Duplication.
Genome position: chrM-8617-A-AT.
Identifiers: ClinVar variation 9648 (VCV000009648.2), dbSNP rs387906423, ClinGen allele CA254849.